The following is an entry in ClinVar:

NM_002907.4(RECQL):c.476C>A (p.Thr159Asn)

Gene: RECQL (RecQ like helicase; minus strand). Cytogenetic location: 12p12.1.
Variant type: single nucleotide variant.
Coding change: c.476C>A on transcript NM_002907.4 (MANE Select); coding-DNA position 476, C replaced by A.
Protein change: p.Thr159Asn; replaces threonine 159 with asparagine.
Molecular consequence: missense variant.
Genome position (GRCh38, 1-based): chr12:21,486,504, G>T on the plus strand (C>A on the coding strand, the complement: RECQL is on the minus strand). VCF-style: chr12-21486504-G-T. GRCh37 (hg19) VCF-style: chr12-21639438-G-T.
Other names: c.476C>A, p.Thr159Asn (NM_032941.3); short protein forms T159N.
Identifiers: ClinVar variation 1742944 (VCV001742944.3), dbSNP rs2540386754, ClinGen allele CA384129944.

ClinVar aggregate classification (germline): Uncertain significance (1 of 4 stars; one submission).

Allele frequency attached by ClinVar (database versions not stated): gnomAD exomes below 0.00001.
gnomAD v4.1: 1 of 1,596,884 alleles (0.000063%); highest among the groups gnomAD compares: East Asian, 0.0022%; no homozygotes.

Submission:

Ambry Genetics
Classification: Uncertain significance. Last evaluated: 2023-08-25. Review status: criteria provided, single submitter. Criteria: Ambry Variant Classification Scheme 2023. Collection method: clinical testing. Allele origin: germline.
Comment: The p.T159N variant (also known as c.476C>A), located in coding exon 4 of the RECQL gene, results from a C to A substitution at nucleotide position 476. The threonine at codon 159 is replaced by asparagine, an amino acid with similar properties. This amino acid position is well conserved in available vertebrate species. In addition, this alteration is predicted to be tolerated by in silico analysis. Since supporting evidence is limited at this time, the clinical significance of this alteration remains unclear.